The following is an entry in ClinVar:

ClinVar aggregate classification (germline): Likely pathogenic (1 of 4 stars; one submission).

Conditions:
Polyglandular autoimmune syndrome, type 1 (APS1). Also called: Whitaker syndrome; Autoimmune polyendocrinopathy syndrome , type I, with or without reversible metaphyseal dysplasia; AUTOIMMUNE POLYENDOCRINE SYNDROME, TYPE I, WITH OR WITHOUT REVERSIBLE METAPHYSEAL DYSPLASIA; HYPOADRENOCORTICISM WITH HYPOPARATHYROIDISM AND SUPERFICIAL MONILIASIS; Autoimmune polyendocrine syndrome type 1; PGA I. Identifiers: Orphanet 3453, MedGen C0085859, MONDO:0009411, OMIM 240300.

Submission:

Labcorp Genetics (formerly Invitae), Labcorp
Classification: Likely pathogenic for Polyglandular autoimmune syndrome, type 1. Last evaluated: 2024-06-23. Review status: criteria provided, single submitter. Criteria: Invitae Variant Classification Sherloc (09022015). Collection method: clinical testing. Allele origin: germline.
Comment: This sequence change affects an acceptor splice site in intron 4 of the AIRE gene. It is expected to disrupt RNA splicing. Variants that disrupt the donor or acceptor splice site typically lead to a loss of protein function (PMID: 16199547), and loss-of-function variants in AIRE are known to be pathogenic (PMID: 11524731, 26141571). This variant is not present in population databases (gnomAD no frequency). This variant has not been reported in the literature in individuals affected with AIRE-related conditions. ClinVar contains an entry for this variant (Variation ID: 1522458). Algorithms developed to predict the effect of sequence changes on RNA splicing suggest that this variant may disrupt the consensus splice site. In summary, the currently available evidence indicates that the variant is pathogenic, but additional data are needed to prove that conclusively. Therefore, this variant has been classified as Likely Pathogenic.

Literature cited by the submitters: PubMed 16199547; PubMed 11524731; PubMed 26141571.

NM_000383.4(AIRE):c.539-2A>G

Gene: AIRE (autoimmune regulator; plus strand). Cytogenetic location: 21q22.3.
Variant type: single nucleotide variant.
Coding change: c.539-2A>G on transcript NM_000383.4 (MANE Select); the canonical splice acceptor site of the intron before coding-DNA position 539, A replaced by G.
Molecular consequence: splice acceptor variant.
Genome position (GRCh38, 1-based): chr21:44,288,343, A>G. VCF-style: chr21-44288343-A-G. GRCh37 (hg19) VCF-style: chr21-45708226-A-G.
Identifiers: ClinVar variation 1522458 (VCV001522458.6), dbSNP rs2146377702, ClinGen allele CA410424053.
Genomic context (GRCh38, chr21:44,288,343, plus strand): 5'-AGAGTATGTGCTTGGGAACAGTCTTCCCCACGGGTGACCCCAATGGGTGTTCCCTTTCCC[A>G]GGGATTCAGACCATGTCAGCTTCAGTCCAGAGAGCTGTGGCCATGTCCTCCGGGGACGTC-3'